The following is an entry in ClinVar:

ClinVar aggregate classification (germline): Uncertain significance (1 of 4 stars; one submission).

gnomAD v4.1: 1 of 1,587,346 alleles (0.000063%); highest among the groups gnomAD compares: Non-Finnish European, 0.000086%; no homozygotes.

Submission:

Labcorp Genetics (formerly Invitae), Labcorp
Classification: Uncertain significance. Last evaluated: 2025-10-13. Review status: criteria provided, single submitter. Criteria: Invitae Variant Classification Sherloc (09022015). Collection method: clinical testing. Allele origin: germline.
Comment: This sequence change replaces proline, which is neutral and non-polar, with serine, which is neutral and polar, at codon 205 of the MYLK3 protein (p.Pro205Ser). This variant is not present in population databases (gnomAD no frequency). This variant has not been reported in the literature in individuals affected with MYLK3-related conditions. An algorithm developed to predict the effect of missense changes on protein structure and function outputs the following: PolyPhen-2: "Benign". The serine amino acid residue is found in multiple mammalian species, which suggests that this missense change does not adversely affect protein function. In summary, the available evidence is currently insufficient to determine the role of this variant in disease. Therefore, it has been classified as a Variant of Uncertain Significance.

NM_182493.3(MYLK3):c.613C>T (p.Pro205Ser)

Gene: MYLK3 (myosin light chain kinase 3; minus strand). Cytogenetic location: 16q11.2.
Variant type: single nucleotide variant.
Coding change: c.613C>T on transcript NM_182493.3 (MANE Select); coding-DNA position 613, C replaced by T.
Protein change: p.Pro205Ser; replaces proline 205 with serine.
Molecular consequence: missense variant. On other transcripts: intron variant (1).
Genome position (GRCh38, 1-based): chr16:46,738,099, G>A on the plus strand (C>T on the coding strand, the complement: MYLK3 is on the minus strand). VCF-style: chr16-46738099-G-A. GRCh37 (hg19) VCF-style: chr16-46772011-G-A.
Other names: c.-23+1958C>T (NM_001308301.1); short protein forms P205S.
Identifiers: ClinVar variation 4807166 (VCV004807166.1).